The following is an entry in ClinVar:

ClinVar aggregate classification (germline): Pathogenic/Likely pathogenic. Review status: criteria provided, multiple submitters, no conflicts (2 of 4 stars). 4 submissions from 4 submitters: Pathogenic (1); Likely pathogenic (2). 1 of the submissions does not count toward it. Last evaluated 2024-05-02.

Conditions:
Peroxisome biogenesis disorder type 3B. Identifiers: Orphanet 44, Orphanet 772, MedGen C3550693, MONDO:0009959, OMIM 266510.
Peroxisome biogenesis disorder 3A (Zellweger). Also called: PEROXISOMAL BIOGENESIS DISORDER 3A (ZELLWEGER); Peroxisome biogenesis disorder 3A. Identifiers: Orphanet 912, MedGen C3553929, MONDO:0013927, OMIM 614859.

Allele frequency attached by ClinVar (database versions not stated): ExAC 0.00001; gnomAD exomes 0.00001.

Submissions (4):

Fulgent Genetics
Classification: Likely pathogenic for Peroxisome biogenesis disorder type 3B; Peroxisome biogenesis disorder 3A (Zellweger). Last evaluated: 2024-05-02. Review status: criteria provided, single submitter. Criteria: ACMG Guidelines, 2015. Collection method: clinical testing. Allele origin: germline.

Labcorp Genetics (formerly Invitae), Labcorp
Classification: Pathogenic for Peroxisome biogenesis disorder 3A (Zellweger). Last evaluated: 2024-04-29. Review status: criteria provided, single submitter. Criteria: Invitae Variant Classification Sherloc (09022015). Collection method: clinical testing. Allele origin: germline.
Comment: This sequence change creates a premature translational stop signal (p.Gln71*) in the PEX12 gene. It is expected to result in an absent or disrupted protein product. Loss-of-function variants in PEX12 are known to be pathogenic (PMID: 9090384, 9632816, 21031596). This variant is present in population databases (rs767447750, gnomAD 0.002%). This variant has not been reported in the literature in individuals affected with PEX12-related conditions. ClinVar contains an entry for this variant (Variation ID: 551127). For these reasons, this variant has been classified as Pathogenic.

Baylor Genetics
Classification: Likely pathogenic for Peroxisome biogenesis disorder 3A (Zellweger). Last evaluated: 2023-11-08. Review status: criteria provided, single submitter. Criteria: ACMG Guidelines, 2015. Collection method: clinical testing. Allele origin: unknown.

Counsyl
Classification: Likely pathogenic for Peroxisome biogenesis disorder type 3B; Peroxisome biogenesis disorder 3A (Zellweger). Last evaluated: 2017-03-16. Review status: no assertion criteria provided. Collection method: clinical testing. Allele origin: unknown. Not counted in ClinVar's aggregate classification.

Literature cited by the submitters: PubMed 9090384 (cited by Labcorp Genetics (formerly Invitae), Labcorp); PubMed 9632816 (cited by Labcorp Genetics (formerly Invitae), Labcorp); PubMed 21031596 (cited by Labcorp Genetics (formerly Invitae), Labcorp).

NM_000286.3(PEX12):c.211C>T (p.Gln71Ter)

Gene: PEX12 (peroxisomal biogenesis factor 12; minus strand). Cytogenetic location: 17q12.
Variant type: single nucleotide variant.
Coding change: c.211C>T on transcript NM_000286.3 (MANE Select); coding-DNA position 211, C replaced by T.
Protein change: p.Gln71Ter; replaces glutamine 71 with a stop codon.
Molecular consequence: nonsense.
Genome position (GRCh38, 1-based): chr17:35,577,507, G>A on the plus strand (C>T on the coding strand, the complement: PEX12 is on the minus strand). VCF-style: chr17-35577507-G-A. GRCh37 (hg19) VCF-style: chr17-33904526-G-A.
Other names: short protein forms Q71*.
Identifiers: ClinVar variation 551127 (VCV000551127.11), dbSNP rs767447750, ClinGen allele CA8504947.